The following is an entry in ClinVar:

NM_004519.4(KCNQ3):c.2440GAT[3] (p.Asp815_Tyr816insAsp)

Gene: KCNQ3 (potassium voltage-gated channel subfamily Q member 3; minus strand). Cytogenetic location: 8q24.22.
Variant type: Microsatellite.
Coding change: c.2440GAT[3] on transcript NM_004519.4 (MANE Select); three copies in a row of the 3-base unit GAT starting at c.2440; the reference has two copies in a row; one copy, 3 bases duplicated.
Protein change: p.Asp815_Tyr816insAsp.
Molecular consequence: inframe insertion.
Genome position (GRCh38, 1-based): chr8:132,129,436-132,129,438, ATC duplicated on the plus strand (GAT on the coding strand, the reverse complement: KCNQ3 is on the minus strand); duplicating any 3 consecutive bases within chr8:132,129,436-132,129,441 gives the same sequence; the position shown is the placement nearest the transcript's 3' end. VCF-style (leftmost placement, unchanged base first): chr8-132129435-A-AATC. GRCh37 (hg19) VCF-style: chr8-133141682-A-AATC.
Other names: c.2080GAT[3], p.Asp695_Tyr696insAsp (NM_001204824.2).
Identifiers: ClinVar variation 2228686 (VCV002228686.2), dbSNP rs2536856653, ClinGen allele CA2580617230.

ClinVar aggregate classification (germline): Uncertain significance (1 of 4 stars; one submission).

Conditions:
Inborn genetic diseases. Identifiers: MedGen C0950123, MeSH D030342.

Submission:

Ambry Genetics
Classification: Uncertain significance for Inborn genetic diseases. Last evaluated: 2021-02-08. Review status: criteria provided, single submitter. Criteria: Ambry Variant Classification Scheme 2023. Collection method: clinical testing. Allele origin: germline.
Comment: The c.2443_2445dupGAT (p.D815dup) alteration is located in exon 15 (coding exon 15) of the KCNQ3 gene. The alteration consists of an in-frame duplication of 3 nucleotides from position 2443 to 2445, resulting in the duplication of <NA> residues. Based on insufficient or conflicting evidence, the clinical significance of this alteration remains unclear.